The following is an entry in ClinVar:

ClinVar aggregate classification (germline): Conflicting classifications of pathogenicity. Review status: criteria provided, conflicting classifications (1 of 4 stars). 3 submissions from 3 submitters: Uncertain significance (2); Likely benign (1). Last evaluated 2025-12-24.

Conditions:
Hereditary cancer-predisposing syndrome. Also called: Neoplastic Syndromes, Hereditary; Tumor predisposition; Hereditary Cancer Syndrome; Hereditary neoplastic syndrome. Identifiers: Orphanet 140162, MedGen C0027672, MeSH D009386, MONDO:0015356.

Allele frequency attached by ClinVar (database versions not stated): gnomAD exomes below 0.00001.
gnomAD v4.1: 1 of 1,614,150 alleles (0.000062%); highest among the groups gnomAD compares: Non-Finnish European, 0.000085%; no homozygotes.

Submissions (3):

Labcorp Genetics (formerly Invitae), Labcorp
Classification: Uncertain significance. Last evaluated: 2025-12-24. Review status: criteria provided, single submitter. Criteria: Invitae Variant Classification Sherloc (09022015). Collection method: clinical testing. Allele origin: germline.
Comment: This sequence change replaces serine, which is neutral and polar, with glycine, which is neutral and non-polar, at codon 615 of the POLE protein (p.Ser615Gly). This variant is not present in population databases (gnomAD no frequency). This variant has not been reported in the literature in individuals affected with POLE-related conditions. ClinVar contains an entry for this variant (Variation ID: 654162). Invitae Evidence Modeling of protein sequence and biophysical properties (such as structural, functional, and spatial information, amino acid conservation, physicochemical variation, residue mobility, and thermodynamic stability) indicates that this missense variant is not expected to disrupt POLE protein function with a negative predictive value of 80%. In summary, the available evidence is currently insufficient to determine the role of this variant in disease. Therefore, it has been classified as a Variant of Uncertain Significance.

Ambry Genetics
Classification: Likely benign for Hereditary cancer-predisposing syndrome. Last evaluated: 2025-04-14. Review status: criteria provided, single submitter. Criteria: Ambry Variant Classification Scheme 2023. Collection method: clinical testing. Allele origin: germline.

GeneDx
Classification: Uncertain significance. Last evaluated: 2024-09-01. Review status: criteria provided, single submitter. Criteria: GeneDx Variant Classification Process June 2021. Collection method: clinical testing. Allele origin: germline. Affected: yes.
Comment: Has not been previously published as pathogenic or benign to our knowledge; Not observed at significant frequency in large population cohorts (gnomAD); In silico analysis indicates that this missense variant does not alter protein structure/function; This variant is associated with the following publications: (PMID: 20951805)

NM_006231.4(POLE):c.1843A>G (p.Ser615Gly)

Gene: POLE (DNA polymerase epsilon, catalytic subunit; minus strand). Cytogenetic location: 12q24.33.
Variant type: single nucleotide variant.
Coding change: c.1843A>G on transcript NM_006231.4 (MANE Select); coding-DNA position 1843, A replaced by G.
Protein change: p.Ser615Gly; replaces serine 615 with glycine.
Molecular consequence: missense variant.
Genome position (GRCh38, 1-based): chr12:132,668,891, T>C on the plus strand (A>G on the coding strand, the complement: POLE is on the minus strand). VCF-style: chr12-132668891-T-C. GRCh37 (hg19) VCF-style: chr12-133245477-T-C.
Other names: c.1843A>G (NM_006231.2); short protein forms S615G.
Identifiers: ClinVar variation 654162 (VCV000654162.13), dbSNP rs932588382, ClinGen allele CA246289560.